The following is an entry in ClinVar:

NM_000465.4(BARD1):c.357G>A (p.Glu119=)

Gene: BARD1 (BRCA1 associated RING domain 1; minus strand). Cytogenetic location: 2q35.
Variant type: single nucleotide variant.
Coding change: c.357G>A on transcript NM_000465.4 (MANE Select); coding-DNA position 357, G replaced by A.
Protein change: p.Glu119=; no amino-acid change (glutamic acid 119 retained).
Molecular consequence: synonymous variant. On other transcripts: non-coding transcript variant (1), intron variant (2).
Genome position (GRCh38, 1-based): chr2:214,792,304, C>T on the plus strand (G>A on the coding strand, the complement: BARD1 is on the minus strand). VCF-style: chr2-214792304-C-T. GRCh37 (hg19) VCF-style: chr2-215657028-C-T.
Other names: c.300G>A, p.Glu100= (NM_001282543.2); c.357G>A, p.Glu119= (NM_001282549.2); c.158+17108G>A (NM_001282548.2); c.215+4757G>A (NM_001282545.2); c.357G>A (NM_000465.3).
Identifiers: ClinVar variation 481390 (VCV000481390.18), dbSNP rs1553624706, ClinGen allele CA431141364.

ClinVar aggregate classification (germline): Benign/Likely benign. Review status: criteria provided, multiple submitters, no conflicts (2 of 4 stars). 4 submissions from 4 submitters: Benign (1); Likely benign (2). 1 of the submissions does not count toward it. Last evaluated 2024-10-29.

Conditions:
Hereditary cancer-predisposing syndrome. Also called: Hereditary Cancer Syndrome; Neoplastic Syndromes, Hereditary; Tumor predisposition; Hereditary neoplastic syndrome. Identifiers: Orphanet 140162, MedGen C0027672, MeSH D009386, MONDO:0015356.
Familial cancer of breast. Also called: BREAST CANCER, FAMILIAL; Hereditary breast cancer; hereditary breast carcinoma. Identifiers: Orphanet 227535, MedGen C0346153, MONDO:0016419, OMIM 114480. Disease mechanism: loss of function.
BARD1-related disorder. Also called: BARD1-related condition.

Submissions (4):

Labcorp Genetics (formerly Invitae), Labcorp
Classification: Likely benign for Familial cancer of breast. Last evaluated: 2024-10-29. Review status: criteria provided, single submitter. Criteria: Invitae Variant Classification Sherloc (09022015). Collection method: clinical testing. Allele origin: germline.

Myriad Genetics, Inc.
Classification: Benign for Familial cancer of breast. Last evaluated: 2024-07-19. Review status: criteria provided, single submitter. Criteria: Myriad Autosomal Dominant, Autosomal Recessive and X-Linked Classification Criteria (2023). Collection method: clinical testing. Allele origin: unknown.
Comment: This variant is considered benign. This variant is a silent/synonymous amino acid change and it is not expected to impact splicing.

Ambry Genetics
Classification: Likely benign for Hereditary cancer-predisposing syndrome. Last evaluated: 2016-08-16. Review status: criteria provided, single submitter. Criteria: Ambry Variant Classification Scheme 2023. Collection method: clinical testing. Allele origin: germline.

PreventionGenetics, part of Exact Sciences
Classification: Likely benign for BARD1-related condition. Last evaluated: 2021-03-19. Review status: no assertion criteria provided. Collection method: clinical testing. Allele origin: germline. Not counted in ClinVar's aggregate classification.
Comment: This variant is classified as likely benign based on ACMG/AMP sequence variant interpretation guidelines (Richards et al. 2015 PMID: 25741868, with internal and published modifications).